The following is an entry in ClinVar:

ClinVar aggregate classification (germline): Uncertain significance (1 of 4 stars; one submission).

Allele frequency attached by ClinVar (database versions not stated): gnomAD exomes below 0.00001.
gnomAD v4.1: 2 of 1,612,866 alleles (0.00012%); highest among the groups gnomAD compares: Admixed American, 0.0017%; no homozygotes.

Submission:

Labcorp Genetics (formerly Invitae), Labcorp
Classification: Uncertain significance. Last evaluated: 2024-01-01. Review status: criteria provided, single submitter. Criteria: Invitae Variant Classification Sherloc (09022015). Collection method: clinical testing. Allele origin: germline.
Comment: This sequence change replaces serine, which is neutral and polar, with asparagine, which is neutral and polar, at codon 49 of the IKZF1 protein (p.Ser49Asn). This variant is present in population databases (no rsID available, gnomAD 0.003%). This variant has not been reported in the literature in individuals affected with IKZF1-related conditions. Algorithms developed to predict the effect of missense changes on protein structure and function output the following: SIFT: "Not Available"; PolyPhen-2: "Benign"; Align-GVGD: "Not Available". The asparagine amino acid residue is found in multiple mammalian species, which suggests that this missense change does not adversely affect protein function. In summary, the available evidence is currently insufficient to determine the role of this variant in disease. Therefore, it has been classified as a Variant of Uncertain Significance.

NM_006060.6(IKZF1):c.146G>A (p.Ser49Asn)

Gene: IKZF1 (IKAROS family zinc finger 1; plus strand). Cytogenetic location: 7p12.2.
Variant type: single nucleotide variant.
Coding change: c.146G>A on transcript NM_006060.6 (MANE Select); coding-DNA position 146, G replaced by A.
Protein change: p.Ser49Asn; replaces serine 49 with asparagine.
Molecular consequence: missense variant.
Genome position (GRCh38, 1-based): chr7:50,327,743, G>A. VCF-style: chr7-50327743-G-A. GRCh37 (hg19) VCF-style: chr7-50367339-G-A.
Other names: c.146G>A, p.Ser49Asn (NM_001220765.3, NM_001220767.2, NM_001220768.2 and 14 more transcripts); short protein forms S49N.
Identifiers: ClinVar variation 2791730 (VCV002791730.3), dbSNP rs1255711584, ClinGen allele CA367569508.